The following is an entry in ClinVar:

NM_015214.3(DDHD2):c.1188A>G (p.Lys396=)

Gene: DDHD2 (DDHD domain containing 2; plus strand). Cytogenetic location: 8p11.23.
Variant type: single nucleotide variant.
Coding change: c.1188A>G on transcript NM_015214.3 (MANE Select); coding-DNA position 1188, A replaced by G.
Protein change: p.Lys396=; no amino-acid change (lysine 396 retained).
Molecular consequence: synonymous variant. On other transcripts: non-coding transcript variant (2).
Genome position (GRCh38, 1-based): chr8:38,247,775, A>G. VCF-style: chr8-38247775-A-G. GRCh37 (hg19) VCF-style: chr8-38105293-A-G.
Other names: c.1188A>G, p.Lys396= (NM_001164232.2, NM_001362911.2, NM_001362912.2 and 1 more transcripts); c.1098A>G, p.Lys366= (NM_001362913.2).
Identifiers: ClinVar variation 511274 (VCV000511274.1), dbSNP rs771361508, ClinGen allele CA4716181.

ClinVar aggregate classification (germline): Likely benign (1 of 4 stars; one submission).

Allele frequency attached by ClinVar (database versions not stated): gnomAD exomes below 0.00001 and 0.00001; TOPMed below 0.00001; ExAC 0.00001.
gnomAD v4.1: 14 of 1,583,418 alleles (0.00088%); highest among the groups gnomAD compares: Non-Finnish European, 0.0011%; no homozygotes.

Submission:

GeneDx
Classification: Likely benign. Last evaluated: 2017-08-14. Review status: criteria provided, single submitter. Criteria: GeneDx Variant Classification (06012015). Collection method: clinical testing. Allele origin: germline. Affected: yes.
Comment: This variant is considered likely benign or benign based on one or more of the following criteria: it is a conservative change, it occurs at a poorly conserved position in the protein, it is predicted to be benign by multiple in silico algorithms, and/or has population frequency not consistent with disease.